The following is an entry in ClinVar:

ClinVar aggregate classification (germline): Uncertain significance (1 of 4 stars; one submission).

Conditions:
Brachyolmia-amelogenesis imperfecta syndrome. Also called: PLATYSPONDYLY WITH AMELOGENESIS IMPERFECTA; Tooth agenesis, selective, 6; Dental anomalies and short stature. Identifiers: Orphanet 2899, MedGen C1832594, MONDO:0011018, OMIM 601216. Disease mechanism: loss of function.

Submission:

Labcorp Genetics (formerly Invitae), Labcorp
Classification: Uncertain significance for Brachyolmia-amelogenesis imperfecta syndrome. Last evaluated: 2023-11-17. Review status: criteria provided, single submitter. Criteria: Invitae Variant Classification Sherloc (09022015). Collection method: clinical testing. Allele origin: germline.
Comment: This sequence change results in a frameshift in the LTBP3 gene (p.Pro1232Alafs*119). While this is not anticipated to result in nonsense mediated decay, it is expected to disrupt the last 72 amino acid(s) of the LTBP3 protein and extend the protein by 46 additional amino acid residues. This variant is not present in population databases (gnomAD no frequency). This variant has not been reported in the literature in individuals affected with LTBP3-related conditions. Experimental studies and prediction algorithms are not available or were not evaluated, and the functional significance of this variant is currently unknown. In summary, the available evidence is currently insufficient to determine the role of this variant in disease. Therefore, it has been classified as a Variant of Uncertain Significance.

NM_001130144.3(LTBP3):c.3689_3692dup (p.Pro1232fs)

Gene: LTBP3 (latent transforming growth factor beta binding protein 3; minus strand). Cytogenetic location: 11q13.1.
Variant type: Microsatellite.
Coding change: c.3689_3692dup on transcript NM_001130144.3 (MANE Select); coding-DNA positions 3689 to 3692, 4 bases duplicated (CGCG; older notation c.3689_3692dupCGCG).
Protein change: p.Pro1232fs; shifts the reading frame from proline 1232.
Molecular consequence: frameshift variant.
Genome position (GRCh38, 1-based): chr11:65,539,396-65,539,399, CGCG duplicated on the plus strand (CGCG on the coding strand, the reverse complement: LTBP3 is on the minus strand). VCF-style (leftmost placement, unchanged base first): chr11-65539395-C-CCGCG. GRCh37 (hg19) VCF-style: chr11-65306866-C-CCGCG.
Other names: c.3197_3200dup, p.Pro1068fs (NM_001164266.1); c.3548_3551dup, p.Pro1185fs (NM_021070.4); short protein forms P1232fs, P1068fs, P1185fs.
Identifiers: ClinVar variation 2696290 (VCV002696290.3), dbSNP rs2496112816, ClinGen allele CA2697548669.